The following is an entry in ClinVar:

NM_012431.3(SEMA3E):c.793A>G (p.Arg265Gly)

Gene: SEMA3E (semaphorin 3E; minus strand). Cytogenetic location: 7q21.11.
Variant type: single nucleotide variant.
Coding change: c.793A>G on transcript NM_012431.3 (MANE Select); coding-DNA position 793, A replaced by G.
Protein change: p.Arg265Gly; replaces arginine 265 with glycine.
Molecular consequence: missense variant.
Genome position (GRCh38, 1-based): chr7:83,407,117, T>C on the plus strand (A>G on the coding strand, the complement: SEMA3E is on the minus strand). VCF-style: chr7-83407117-T-C. GRCh37 (hg19) VCF-style: chr7-83036433-T-C.
Other names: c.793A>G (NM_012431.2); c.613A>G, p.Arg205Gly (NM_001178129.2); short protein forms R265G, R205G.
Identifiers: ClinVar variation 1392773 (VCV001392773.7), dbSNP rs2115648631, ClinGen allele CA367930189.

ClinVar aggregate classification (germline): Uncertain significance. Review status: criteria provided, multiple submitters, no conflicts (2 of 4 stars). 2 submissions from 2 submitters: Uncertain significance (2). Last evaluated 2025-04-21.

Conditions:
CHARGE syndrome (CHARGE). Also called: Hittner Hirsch Kreh syndrome; CHARGE ASSOCIATION--COLOBOMA, HEART ANOMALY, CHOANAL ATRESIA, RETARDATION, GENITAL AND EAR ANOMALIES; Coloboma, heart anomaly, choanal atresia, retardation, genital and ear anomalies; CHARGE association; Hall-Hittner syndrome. Identifiers: Orphanet 138, MedGen C0265354, MONDO:0008965.
SEMA3E-related disorder. Also called: SEMA3E-related condition.

Submissions (2):

PreventionGenetics, part of Exact Sciences
Classification: Uncertain significance for SEMA3E-related condition. Last evaluated: 2025-04-21. Review status: criteria provided, single submitter. Criteria: ACMG Guidelines, 2015. Collection method: clinical testing. Allele origin: germline.
Comment: The SEMA3E c.793A>G variant is predicted to result in the amino acid substitution p.Arg265Gly. To our knowledge, this variant has not been reported in the literature or in a large population database (gnomAD), indicating this variant is rare. At this time, the clinical significance of this variant is uncertain due to the absence of conclusive functional and genetic evidence.

Labcorp Genetics (formerly Invitae), Labcorp
Classification: Uncertain significance for CHARGE syndrome. Last evaluated: 2022-08-31. Review status: criteria provided, single submitter. Criteria: Invitae Variant Classification Sherloc (09022015). Collection method: clinical testing. Allele origin: germline.
Comment: In summary, the available evidence is currently insufficient to determine the role of this variant in disease. Therefore, it has been classified as a Variant of Uncertain Significance. Algorithms developed to predict the effect of missense changes on protein structure and function are either unavailable or do not agree on the potential impact of this missense change (SIFT: "Deleterious"; PolyPhen-2: "Probably Damaging"; Align-GVGD: "Class C0"). ClinVar contains an entry for this variant (Variation ID: 1392773). This variant has not been reported in the literature in individuals affected with SEMA3E-related conditions. This variant is not present in population databases (gnomAD no frequency). This sequence change replaces arginine, which is basic and polar, with glycine, which is neutral and non-polar, at codon 265 of the SEMA3E protein (p.Arg265Gly).